The following is an entry in ClinVar:

ClinVar aggregate classification (germline): Benign (1 of 4 stars; one submission).

Conditions:
Junctional epidermolysis bullosa with pyloric atresia. Also called: ITGB4-Related Epidermolysis Bullosa with Pyloric Atresia; ITGA6-Related Epidermolysis Bullosa with Pyloric Atresia; EPIDERMOLYSIS BULLOSA, JUNCTIONAL 5B, WITH PYLORIC ATRESIA; APLASIA CUTIS CONGENITA WITH GASTROINTESTINAL ATRESIA; CARMI SYNDROME; EB-PA-ACC. Identifiers: Orphanet 79403, MedGen C5676875, MONDO:0009183, OMIM 226730.

Allele frequency attached by ClinVar (database versions not stated): gnomAD 0.02363 and 0.02532; 1000 Genomes Project 0.02796; 1000 Genomes Project 30x 0.02983; TOPMed 0.02740.

Submission:

Illumina Laboratory Services, Illumina
Classification: Benign for Junctional epidermolysis bullosa with pyloric atresia. Last evaluated: 2018-01-13. Review status: criteria provided, single submitter. Criteria: ICSL Variant Classification Criteria 13 December 2019. Collection method: clinical testing. Allele origin: germline.
Comment: This variant was observed in the ICSL laboratory as part of a predisposition screen in an ostensibly healthy population. It had not been previously curated by ICSL or reported in the Human Gene Mutation Database (HGMD: prior to June 1st, 2018), and was therefore a candidate for classification through an automated scoring system. Utilizing variant allele frequency, disease prevalence and penetrance estimates, and inheritance mode, an automated score was calculated to assess if this variant is too frequent to cause the disease. Based on the score and internal cut-off values, a variant classified as benign is not then subjected to further curation. The score for this variant resulted in a classification of benign for this disease.

NM_000210.4(ITGA6):c.*1194A>G

Genes: ITGA6 (integrin subunit alpha 6; plus strand), PDK1-AS1 (PDK1 and ITGA6 antisense RNA 1; minus strand). Cytogenetic location: 2q31.1.
Variant type: single nucleotide variant.
Coding change: c.*1194A>G on transcript NM_000210.4 (MANE Select); 1194 bases downstream of the stop codon, A replaced by G.
Molecular consequence: 3 prime UTR variant.
Genome position (GRCh38, 1-based): chr2:172,505,262, A>G. VCF-style: chr2-172505262-A-G. GRCh37 (hg19) VCF-style: chr2-173369990-A-G.
Other names: c.*1010A>G (NM_001079818.3, NM_001365529.2); c.*1194A>G (NM_001316306.2, NM_001365530.2).
Identifiers: ClinVar variation 332409 (VCV000332409.5), dbSNP rs16860635, ClinGen allele CA10611896.
Genomic context (GRCh38, chr2:172,505,262, plus strand): 5'-TTAGAAGCCTGCATAATGTTTCTGGATTTCATACTGTAACATTCAGGAATTCTTGGAGAA[A>G]ATGGGTTTATTCACTGAACTCTAGTGCGGTTTACTCACTGCTGCAAATACTGTATATTCA-3'